The following is an entry in ClinVar:

NM_199420.4(POLQ):c.1592T>C (p.Met531Thr)

Gene: POLQ (DNA polymerase theta; minus strand). Cytogenetic location: 3q13.33.
Variant type: single nucleotide variant.
Coding change: c.1592T>C on transcript NM_199420.4 (MANE Select); coding-DNA position 1592, T replaced by C.
Protein change: p.Met531Thr; replaces methionine 531 with threonine.
Molecular consequence: missense variant.
Genome position (GRCh38, 1-based): chr3:121,511,906, A>G on the plus strand (T>C on the coding strand, the complement: POLQ is on the minus strand). VCF-style: chr3-121511906-A-G. GRCh37 (hg19) VCF-style: chr3-121230753-A-G.
Other names: short protein forms M531T.
Identifiers: ClinVar variation 2497213 (VCV002497213.2), dbSNP rs2546804204, ClinGen allele CA354115996.

ClinVar aggregate classification (germline): Uncertain significance (1 of 4 stars; one submission).

Submission:

Ambry Genetics
Classification: Uncertain significance. Last evaluated: 2023-01-27. Review status: criteria provided, single submitter. Criteria: Ambry Variant Classification Scheme 2023. Collection method: clinical testing. Allele origin: germline.
Comment: The p.M531T variant (also known as c.1592T>C), located in coding exon 10 of the POLQ gene, results from a T to C substitution at nucleotide position 1592. The methionine at codon 531 is replaced by threonine, an amino acid with similar properties. This amino acid position is conserved. In addition, the in silico prediction for this alteration is inconclusive. Since supporting evidence is limited at this time, the clinical significance of this alteration remains unclear.